The following is an entry in ClinVar:

NM_021096.4(CACNA1I):c.1088T>A (p.Met363Lys)

Gene: CACNA1I (calcium voltage-gated channel subunit alpha1 I; plus strand). Cytogenetic location: 22q13.1.
Variant type: single nucleotide variant.
Coding change: c.1088T>A on transcript NM_021096.4 (MANE Select); coding-DNA position 1088, T replaced by A.
Protein change: p.Met363Lys; replaces methionine 363 with lysine.
Molecular consequence: missense variant.
Genome position (GRCh38, 1-based): chr22:39,642,828, T>A. VCF-style: chr22-39642828-T-A. GRCh37 (hg19) VCF-style: chr22-40038833-T-A.
Other names: c.1088T>A, p.Met363Lys (NM_001003406.2); short protein forms M363K.
Identifiers: ClinVar variation 2573900 (VCV002573900.2), dbSNP rs2518137190, ClinGen allele CA411639455.

ClinVar aggregate classification (germline): Uncertain significance (1 of 4 stars; one submission).

Submission:

GeneDx
Classification: Uncertain significance. Last evaluated: 2026-06-20. Review status: criteria provided, single submitter. Criteria: GeneDx Variant Classification Process June 2021. Collection method: clinical testing. Allele origin: germline.
Comment: Not observed at significant frequency in large population cohorts (gnomAD); In silico analysis supports that this missense variant has a deleterious effect on protein structure/function; Has not been previously published as pathogenic or benign to our knowledge